The following is an entry in ClinVar:

ClinVar aggregate classification (germline): Uncertain significance (1 of 4 stars; one submission).

Submission:

Greenwood Genetic Center Diagnostic Laboratories, Greenwood Genetic Center
Classification: Uncertain significance. Last evaluated: 2024-08-21. Review status: criteria provided, single submitter. Criteria: ACMG Guidelines, 2015. Collection method: clinical testing. Allele origin: germline. Affected: yes.
Comment: PM2, BP4, PP2

NM_000937.5(POLR2A):c.5881A>G (p.Ile1961Val)

Gene: POLR2A (RNA polymerase II subunit A; plus strand). Cytogenetic location: 17p13.1.
Variant type: single nucleotide variant.
Coding change: c.5881A>G on transcript NM_000937.5 (MANE Select); coding-DNA position 5881, A replaced by G.
Protein change: p.Ile1961Val; replaces isoleucine 1961 with valine.
Molecular consequence: missense variant.
Genome position (GRCh38, 1-based): chr17:7,514,147, A>G. VCF-style: chr17-7514147-A-G. GRCh37 (hg19) VCF-style: chr17-7417464-A-G.
Other names: short protein forms I1961V.
Identifiers: ClinVar variation 3765603 (VCV003765603.1).